The following is an entry in ClinVar:

ClinVar aggregate classification (germline): Uncertain significance (1 of 4 stars; one submission).

Conditions:
Cataract 6 multiple types. Also called: CATARACT, AGE-RELATED CORTICAL, 2; CATARACT 6, POSTERIOR POLAR; CATARACT 6, CONGENITAL TOTAL. Identifiers: Orphanet 91492, MedGen C1861825, MONDO:0007288, OMIM 116600.

gnomAD v4.1: 1 of 1,609,986 alleles (0.000062%); highest among the groups gnomAD compares: Non-Finnish European, 0.000085%; no homozygotes.

Submission:

Labcorp Genetics (formerly Invitae), Labcorp
Classification: Uncertain significance for Cataract 6 multiple types. Last evaluated: 2024-10-08. Review status: criteria provided, single submitter. Criteria: Invitae Variant Classification Sherloc (09022015). Collection method: clinical testing. Allele origin: germline.
Comment: This sequence change replaces glycine, which is neutral and non-polar, with aspartic acid, which is acidic and polar, at codon 356 of the EPHA2 protein (p.Gly356Asp). This variant is not present in population databases (gnomAD no frequency). This variant has not been reported in the literature in individuals affected with EPHA2-related conditions. ClinVar contains an entry for this variant (Variation ID: 951184). Invitae Evidence Modeling of protein sequence and biophysical properties (such as structural, functional, and spatial information, amino acid conservation, physicochemical variation, residue mobility, and thermodynamic stability) indicates that this missense variant is expected to disrupt EPHA2 protein function with a positive predictive value of 80%. In summary, the available evidence is currently insufficient to determine the role of this variant in disease. Therefore, it has been classified as a Variant of Uncertain Significance.

NM_004431.5(EPHA2):c.1067G>A (p.Gly356Asp)

Gene: EPHA2 (EPH receptor A2; minus strand). Cytogenetic location: 1p36.13.
Variant type: single nucleotide variant.
Coding change: c.1067G>A on transcript NM_004431.5 (MANE Select); coding-DNA position 1067, G replaced by A.
Protein change: p.Gly356Asp; replaces glycine 356 with aspartic acid.
Molecular consequence: missense variant.
Genome position (GRCh38, 1-based): chr1:16,138,098, C>T on the plus strand (G>A on the coding strand, the complement: EPHA2 is on the minus strand). VCF-style: chr1-16138098-C-T. GRCh37 (hg19) VCF-style: chr1-16464593-C-T.
Other names: c.905G>A, p.Gly302Asp (NM_001329090.2); short protein forms G302D, G356D.
Identifiers: ClinVar variation 951184 (VCV000951184.7), dbSNP rs1248366791, ClinGen allele CA338633991.